The following is an entry in ClinVar:

NM_016532.4(INPP5K):c.237G>A (p.Val79=)

Gene: INPP5K (inositol polyphosphate-5-phosphatase K; minus strand). Cytogenetic location: 17p13.3.
Variant type: single nucleotide variant.
Coding change: c.237G>A on transcript NM_016532.4 (MANE Select); coding-DNA position 237, G replaced by A.
Protein change: p.Val79=; no amino-acid change (valine 79 retained).
Molecular consequence: synonymous variant.
Genome position (GRCh38, 1-based): chr17:1,513,477, C>T on the plus strand (G>A on the coding strand, the complement: INPP5K is on the minus strand). VCF-style: chr17-1513477-C-T. GRCh37 (hg19) VCF-style: chr17-1416771-C-T.
Other names: c.9G>A, p.Val3= (NM_001135642.2, NM_130766.3).
Identifiers: ClinVar variation 2647188 (VCV002647188.24), dbSNP rs374694396, ClinGen allele CA8268661.

ClinVar aggregate classification (germline): Likely benign (1 of 4 stars; one submission).

Allele frequency attached by ClinVar (database versions not stated): ExAC 0.00002; TOPMed 0.00002; ESP Exome Variant Server 0.00008.
gnomAD v4.1: 15 of 1,614,060 alleles (0.00093%); highest among the groups gnomAD compares: African/African-American, 0.0013%; no homozygotes.

Submission:

CeGaT Center for Human Genetics Tuebingen
Classification: Likely benign. Last evaluated: 2023-10-01. Review status: criteria provided, single submitter. Criteria: CeGaT Center For Human Genetics Tuebingen Variant Classification Criteria Version 2. Collection method: clinical testing. Allele origin: germline. Affected: yes. Observed: 1 variant allele.
Comment: INPP5K: BP4, BP7